The following is an entry in ClinVar:

NM_000875.5(IGF1R):c.556A>G (p.Met186Val)

Gene: IGF1R (insulin like growth factor 1 receptor; plus strand). Cytogenetic location: 15q26.3.
Variant type: single nucleotide variant.
Coding change: c.556A>G on transcript NM_000875.5 (MANE Select); coding-DNA position 556, A replaced by G.
Protein change: p.Met186Val; replaces methionine 186 with valine.
Molecular consequence: missense variant.
Genome position (GRCh38, 1-based): chr15:98,708,023, A>G. VCF-style: chr15-98708023-A-G. GRCh37 (hg19) VCF-style: chr15-99251252-A-G.
Other names: c.556A>G, p.Met186Val (NM_001291858.2); short protein forms M186V.
Identifiers: ClinVar variation 4762986 (VCV004762986.1).
Genomic context (GRCh38, chr15:98,708,023, plus strand): 5'-AATAACTACATTGTGGGGAATAAGCCCCCAAAGGAATGTGGGGACCTGTGTCCAGGGACC[A>G]TGGAGGAGAAGCCGATGTGTGAGAAGACCACCATCAACAATGAGTACAACTACCGCTGCT-3'
Protein context (NP_000866.1, residues 176-196): KECGDLCPGT[Met186Val]EEKPMCEKTT

ClinVar aggregate classification (germline): Uncertain significance (1 of 4 stars; one submission).

Submission:

Labcorp Genetics (formerly Invitae), Labcorp
Classification: Uncertain significance. Last evaluated: 2025-04-11. Review status: criteria provided, single submitter. Criteria: Invitae Variant Classification Sherloc (09022015). Collection method: clinical testing. Allele origin: germline.
Comment: This sequence change replaces methionine, which is neutral and non-polar, with valine, which is neutral and non-polar, at codon 186 of the IGF1R protein (p.Met186Val). This variant is present in population databases (no rsID available, gnomAD 0.006%). This variant has not been reported in the literature in individuals affected with IGF1R-related conditions. Invitae Evidence Modeling of protein sequence and biophysical properties (such as structural, functional, and spatial information, amino acid conservation, physicochemical variation, residue mobility, and thermodynamic stability) indicates that this missense variant is not expected to disrupt IGF1R protein function with a negative predictive value of 80%. In summary, the available evidence is currently insufficient to determine the role of this variant in disease. Therefore, it has been classified as a Variant of Uncertain Significance.